The following is an entry in ClinVar:

NM_020461.4(TUBGCP6):c.4550A>G (p.Tyr1517Cys)

Gene: TUBGCP6 (tubulin gamma complex component 6; minus strand). Cytogenetic location: 22q13.33.
Variant type: single nucleotide variant.
Coding change: c.4550A>G on transcript NM_020461.4 (MANE Select); coding-DNA position 4550, A replaced by G.
Protein change: p.Tyr1517Cys; replaces tyrosine 1517 with cysteine.
Molecular consequence: missense variant.
Genome position (GRCh38, 1-based): chr22:50,219,144, T>C on the plus strand (A>G on the coding strand, the complement: TUBGCP6 is on the minus strand). VCF-style: chr22-50219144-T-C. GRCh37 (hg19) VCF-style: chr22-50657573-T-C.
Other names: c.4550A>G (NM_020461.3); short protein forms Y1517C.
Identifiers: ClinVar variation 1004972 (VCV001004972.11), dbSNP rs368017504, ClinGen allele CA325509586.

ClinVar aggregate classification (germline): Uncertain significance. Review status: criteria provided, multiple submitters, no conflicts (2 of 4 stars). 2 submissions from 2 submitters: Uncertain significance (2). Last evaluated 2025-08-12.

Conditions:
Inborn genetic diseases. Identifiers: MedGen C0950123, MeSH D030342.

Allele frequency attached by ClinVar (database versions not stated): TOPMed below 0.00001; gnomAD exomes 0.00001; ESP Exome Variant Server 0.00008.
gnomAD v4.1: 18 of 1,613,100 alleles (0.0011%); highest among the groups gnomAD compares: Non-Finnish European, 0.0015%; no homozygotes.

Submissions (2):

Ambry Genetics
Classification: Uncertain significance for Inborn genetic diseases. Last evaluated: 2025-08-12. Review status: criteria provided, single submitter. Criteria: Ambry Variant Classification Scheme 2023. Collection method: clinical testing. Allele origin: germline.

Labcorp Genetics (formerly Invitae), Labcorp
Classification: Uncertain significance. Last evaluated: 2022-06-10. Review status: criteria provided, single submitter. Criteria: Invitae Variant Classification Sherloc (09022015). Collection method: clinical testing. Allele origin: germline.
Comment: In summary, the available evidence is currently insufficient to determine the role of this variant in disease. Therefore, it has been classified as a Variant of Uncertain Significance. Algorithms developed to predict the effect of sequence changes on RNA splicing suggest that this variant may create or strengthen a splice site. Algorithms developed to predict the effect of missense changes on protein structure and function output the following: SIFT: "Deleterious"; PolyPhen-2: "Benign"; Align-GVGD: "Class C0". The cysteine amino acid residue is found in multiple mammalian species, which suggests that this missense change does not adversely affect protein function. ClinVar contains an entry for this variant (Variation ID: 1004972). This variant has not been reported in the literature in individuals affected with TUBGCP6-related conditions. This variant is not present in population databases (gnomAD no frequency). This sequence change replaces tyrosine, which is neutral and polar, with cysteine, which is neutral and slightly polar, at codon 1517 of the TUBGCP6 protein (p.Tyr1517Cys).